The following is an entry in ClinVar:

ClinVar aggregate classification (germline): Uncertain significance (1 of 4 stars; one submission).

Conditions:
Cardiovascular phenotype. Identifiers: MedGen CN230736.

Allele frequency attached by ClinVar (database versions not stated): gnomAD exomes below 0.00001; gnomAD 0.00001; 1000 Genomes Project 0.00026; 1000 Genomes Project 30x 0.00042.
gnomAD v4.1: 2 of 1,210,450 alleles (0.00017%); highest among the groups gnomAD compares: South Asian, 0.0035%; no homozygotes.

Submission:

Ambry Genetics
Classification: Uncertain significance for Cardiovascular phenotype. Last evaluated: 2020-10-12. Review status: criteria provided, single submitter. Criteria: Ambry Variant Classification Scheme 2023. Collection method: clinical testing. Allele origin: germline.
Comment: The p.L205F variant (also known as c.613C>T), located in coding exon 8 of the TAZ gene, results from a C to T substitution at nucleotide position 613. The leucine at codon 205 is replaced by phenylalanine, an amino acid with highly similar properties. This amino acid position is highly conserved in available vertebrate species. In addition, the in silico prediction for this alteration is inconclusive. Since supporting evidence is limited at this time, the clinical significance of this alteration remains unclear.

NM_000116.5(TAFAZZIN):c.613C>T (p.Leu205Phe)

Gene: TAFAZZIN (tafazzin, phospholipid-lysophospholipid transacylase; plus strand). Cytogenetic location: Xq28.
Variant type: single nucleotide variant.
Coding change: c.613C>T on transcript NM_000116.5 (MANE Select); coding-DNA position 613, C replaced by T.
Protein change: p.Leu205Phe; replaces leucine 205 with phenylalanine.
Molecular consequence: missense variant. On other transcripts: non-coding transcript variant (1).
Genome position (GRCh38, 1-based): chrX:154,420,061, C>T. VCF-style: chrX-154420061-C-T. GRCh37 (hg19) VCF-style: chrX-153648400-C-T.
Other names: c.625C>T, p.Leu209Phe (NM_001303465.2); c.577C>T, p.Leu193Phe (NM_001410698.1); c.523C>T, p.Leu175Phe (NM_181311.4); c.571C>T, p.Leu191Phe (NM_181312.4); c.481C>T, p.Leu161Phe (NM_181313.4); short protein forms L161F, L175F, L191F, L193F, L205F, L209F.
Identifiers: ClinVar variation 1800112 (VCV001800112.2), dbSNP rs782671998, ClinGen allele CA337288157.